The following is an entry in ClinVar:

NM_018089.3(ANKZF1):c.2158C>G (p.Gln720Glu)

Gene: ANKZF1 (ankyrin repeat and zinc finger peptidyl tRNA hydrolase 1; plus strand). Cytogenetic location: 2q35.
Variant type: single nucleotide variant.
Coding change: c.2158C>G on transcript NM_018089.3 (MANE Select); coding-DNA position 2158, C replaced by G.
Protein change: p.Gln720Glu; replaces glutamine 720 with glutamic acid.
Molecular consequence: missense variant.
Genome position (GRCh38, 1-based): chr2:219,236,422, C>G. VCF-style: chr2-219236422-C-G. GRCh37 (hg19) VCF-style: chr2-220101144-C-G.
Other names: c.2158C>G (NM_018089.2); c.2158C>G, p.Gln720Glu (NM_001042410.2); c.1528C>G, p.Gln510Glu (NM_001282792.2); short protein forms Q510E, Q720E.
Identifiers: ClinVar variation 1447253 (VCV001447253.7), dbSNP rs765882615, ClinGen allele CA2121334.

ClinVar aggregate classification (germline): Uncertain significance. Review status: criteria provided, multiple submitters, no conflicts (2 of 4 stars). 2 submissions from 2 submitters: Uncertain significance (2). Last evaluated 2025-11-20.

Allele frequency attached by ClinVar (database versions not stated): gnomAD 0.00001; gnomAD exomes 0.00001; TOPMed 0.00001; ExAC 0.00002.
gnomAD v4.1: 10 of 1,609,488 alleles (0.00062%); highest among the groups gnomAD compares: Middle Eastern, 0.016%; no homozygotes.

Submissions (2):

Ambry Genetics
Classification: Uncertain significance. Last evaluated: 2025-11-20. Review status: criteria provided, single submitter. Criteria: Ambry Variant Classification Scheme 2023. Collection method: clinical testing. Allele origin: germline.

Labcorp Genetics (formerly Invitae), Labcorp
Classification: Uncertain significance. Last evaluated: 2023-08-19. Review status: criteria provided, single submitter. Criteria: Invitae Variant Classification Sherloc (09022015). Collection method: clinical testing. Allele origin: germline.
Comment: In summary, the available evidence is currently insufficient to determine the role of this variant in disease. Therefore, it has been classified as a Variant of Uncertain Significance. An algorithm developed to predict the effect of missense changes on protein structure and function (PolyPhen-2) suggests that this variant is likely to be tolerated. ClinVar contains an entry for this variant (Variation ID: 1447253). This variant has not been reported in the literature in individuals affected with ANKZF1-related conditions. This variant is present in population databases (rs765882615, gnomAD 0.003%). This sequence change replaces glutamine, which is neutral and polar, with glutamic acid, which is acidic and polar, at codon 720 of the ANKZF1 protein (p.Gln720Glu).